The following is an entry in ClinVar:

ClinVar aggregate classification (germline): Uncertain significance (1 of 4 stars; one submission).

Submission:

Labcorp Genetics (formerly Invitae), Labcorp
Classification: Uncertain significance. Last evaluated: 2025-06-04. Review status: criteria provided, single submitter. Criteria: Invitae Variant Classification Sherloc (09022015). Collection method: clinical testing. Allele origin: germline.
Comment: This sequence change creates a premature translational stop signal (p.Leu1017*) in the MICAL1 gene. It is expected to result in an absent or disrupted protein product. However, the current clinical and genetic evidence is not sufficient to establish whether loss-of-function variants in MICAL1 cause disease. This variant is not present in population databases (gnomAD no frequency). This variant has not been reported in the literature in individuals affected with MICAL1-related conditions. ClinVar contains an entry for this variant (Variation ID: 2855283). In summary, the available evidence is currently insufficient to determine the role of this variant in disease. Therefore, it has been classified as a Variant of Uncertain Significance.

NM_022765.4(MICAL1):c.2993del (p.Glu997_Leu998insTer)

Gene: MICAL1 (microtubule associated monooxygenase, calponin and LIM domain containing 1; minus strand). Cytogenetic location: 6q21.
Variant type: Deletion.
Coding change: c.2993del on transcript NM_022765.4 (MANE Select); coding-DNA position 2993, one base deleted (T; older notation c.2993delT).
Protein change: p.Glu997_Leu998insTer.
Molecular consequence: nonsense.
Genome position (GRCh38, 1-based): chr6:109,444,787, A deleted on the plus strand (T on the coding strand, the reverse complement: MICAL1 is on the minus strand); the first of 2 consecutive A bases (chr6:109,444,787-109,444,788); deleting either gives the same sequence. VCF-style (leftmost placement, unchanged base first): chr6-109444786-CA-C. GRCh37 (hg19) VCF-style: chr6-109765989-CA-C.
Other names: c.2735del, p.Glu911_Leu912insTer (NM_001159291.2); c.3050del, p.Glu1016_Leu1017insTer (NM_001286613.2).
Identifiers: ClinVar variation 2855283 (VCV002855283.3), dbSNP rs2482764756, ClinGen allele CA2739265923.